The following is an entry in ClinVar:

NM_001572.5(IRF7):c.457G>A (p.Gly153Arg)

Gene: IRF7 (interferon regulatory factor 7; minus strand). Cytogenetic location: 11p15.5.
Variant type: single nucleotide variant.
Coding change: c.457G>A on transcript NM_001572.5 (MANE Select); coding-DNA position 457, G replaced by A.
Protein change: p.Gly153Arg; replaces glycine 153 with arginine.
Molecular consequence: missense variant.
Genome position (GRCh38, 1-based): chr11:614,396, C>T on the plus strand (G>A on the coding strand, the complement: IRF7 is on the minus strand). VCF-style: chr11-614396-C-T. GRCh37 (hg19) VCF-style: chr11-614396-C-T.
Other names: c.457G>A, p.Gly153Arg (NM_004029.4); c.496G>A, p.Gly166Arg (NM_004031.4); short protein forms G153R, G166R.
Identifiers: ClinVar variation 1722265 (VCV001722265.5), dbSNP rs1323486550, ClinGen allele CA378982433.

ClinVar aggregate classification (germline): Uncertain significance (1 of 4 stars; one submission).

Conditions:
Immunodeficiency 39 (IMD39). Identifiers: Orphanet 574918, MedGen C4225358, MONDO:0014597, OMIM 616345.

Submission:

Labcorp Genetics (formerly Invitae), Labcorp
Classification: Uncertain significance for Immunodeficiency 39. Last evaluated: 2023-07-17. Review status: criteria provided, single submitter. Criteria: Invitae Variant Classification Sherloc (09022015). Collection method: clinical testing. Allele origin: germline.
Comment: In summary, the available evidence is currently insufficient to determine the role of this variant in disease. Therefore, it has been classified as a Variant of Uncertain Significance. Advanced modeling of protein sequence and biophysical properties (such as structural, functional, and spatial information, amino acid conservation, physicochemical variation, residue mobility, and thermodynamic stability) performed at Invitae indicates that this missense variant is not expected to disrupt IRF7 protein function. ClinVar contains an entry for this variant (Variation ID: 1722265). This variant has not been reported in the literature in individuals affected with IRF7-related conditions. The frequency data for this variant in the population databases is considered unreliable, as metrics indicate poor data quality at this position in the gnomAD database. This sequence change replaces glycine, which is neutral and non-polar, with arginine, which is basic and polar, at codon 166 of the IRF7 protein (p.Gly166Arg).